The following is an entry in ClinVar:

NM_000455.5(STK11):c.876C>T (p.Tyr292=)

Gene: STK11 (serine/threonine kinase 11; plus strand). Cytogenetic location: 19p13.3.
Variant type: single nucleotide variant.
Coding change: c.876C>T on transcript NM_000455.5 (MANE Select); coding-DNA position 876, C replaced by T.
Protein change: p.Tyr292=; no amino-acid change (tyrosine 292 retained).
Molecular consequence: synonymous variant.
Genome position (GRCh38, 1-based): chr19:1,221,962, C>T. VCF-style: chr19-1221962-C-T. GRCh37 (hg19) VCF-style: chr19-1221961-C-T.
Other names: p.Y292Y:TAC>TAT.
Identifiers: ClinVar variation 182886 (VCV000182886.55), dbSNP rs148928808, ClinGen allele CA023318.

ClinVar aggregate classification (germline): Benign/Likely benign. Review status: criteria provided, multiple submitters, no conflicts (2 of 4 stars). 12 submissions from 12 submitters: Benign (2); Likely benign (8). 2 of the submissions do not count toward it. Last evaluated 2026-01-12.

Conditions:
STK11-related disorder. Also called: STK11-related condition.
Hereditary cancer-predisposing syndrome. Also called: Tumor predisposition; Neoplastic Syndromes, Hereditary; Hereditary Cancer Syndrome; Hereditary neoplastic syndrome. Identifiers: Orphanet 140162, MedGen C0027672, MeSH D009386, MONDO:0015356.
Peutz-Jeghers syndrome (PJS). Also called: Peutz-Jeghers polyposis; Periorificial lentiginosis syndrome; POLYPOSIS, HAMARTOMATOUS INTESTINAL; POLYPS-AND-SPOTS SYNDROME. Identifiers: Orphanet 2869, MedGen C0031269, MeSH D010580, MONDO:0008280, OMIM 175200.

Allele frequency attached by ClinVar (database versions not stated): ExAC 0.00019; 1000 Genomes Project 30x 0.00062; 1000 Genomes Project 0.00080; gnomAD 0.00003 and 0.00007; TOPMed 0.00003; gnomAD exomes 0.00005.
gnomAD v4.1: 87 of 1,562,502 alleles (0.0056%); highest among the groups gnomAD compares: East Asian, 0.12%; no homozygotes.

Submissions (12):

Labcorp Genetics (formerly Invitae), Labcorp
Classification: Likely benign for Peutz-Jeghers syndrome. Last evaluated: 2026-01-12. Review status: criteria provided, single submitter. Criteria: Invitae Variant Classification Sherloc (09022015). Collection method: clinical testing. Allele origin: germline.

CeGaT Center for Human Genetics Tuebingen
Classification: Likely benign. Last evaluated: 2025-04-01. Review status: criteria provided, single submitter. Criteria: CeGaT Center For Human Genetics Tuebingen Variant Classification Criteria Version 2. Collection method: clinical testing. Allele origin: germline. Affected: yes. Observed: 2 variant alleles.
Comment: STK11: BP4, BP7

All of Us Research Program, National Institutes of Health
Classification: Likely benign for Peutz-Jeghers syndrome. Last evaluated: 2024-02-05. Review status: criteria provided, single submitter. Criteria: ACMG Guidelines, 2015. Collection method: clinical testing. Allele origin: germline. Inheritance: Autosomal dominant inheritance. Observed: 11 variant alleles, 11 heterozygotes.
Comment: This study involves interpretation of variants in research participants for the purpose of population health screening. Participant phenotype was not available at the time of variant classification. Additional details can be found in publication PMID: 35346344, PMCID: PMC8962531

Myriad Genetics, Inc.
Classification: Benign for Peutz-Jeghers syndrome. Last evaluated: 2023-04-13. Review status: criteria provided, single submitter. Criteria: Myriad Autosomal Dominant, Autosomal Recessive and X-Linked Classification Criteria (2023). Collection method: clinical testing. Allele origin: unknown.
Comment: This variant is considered benign. This variant is a silent/synonymous amino acid change and it is not expected to impact splicing.

Genome-Nilou Lab
Classification: Likely benign for Peutz-Jeghers syndrome. Last evaluated: 2021-07-15. Review status: criteria provided, single submitter. Criteria: ACMG Guidelines, 2015. Collection method: clinical testing. Allele origin: germline. Affected: no.

Sema4
Classification: Likely benign for Hereditary cancer-predisposing syndrome. Last evaluated: 2021-07-12. Review status: criteria provided, single submitter. Criteria: Sema4 Curation Guidelines. Collection method: curation. Allele origin: germline.

Women's Health and Genetics/Laboratory Corporation of America, LabCorp
Classification: Likely benign. Last evaluated: 2019-08-29. Review status: criteria provided, single submitter. Criteria: LabCorp Variant Classification Summary - May 2015. Collection method: clinical testing. Allele origin: germline.

Ambry Genetics
Classification: Likely benign for Hereditary cancer-predisposing syndrome. Last evaluated: 2016-06-01. Review status: criteria provided, single submitter. Criteria: Ambry Variant Classification Scheme 2023. Collection method: clinical testing. Allele origin: germline.

Color Diagnostics, LLC DBA Color Health
Classification: Likely benign for Hereditary cancer-predisposing syndrome. Last evaluated: 2015-10-16. Review status: criteria provided, single submitter. Criteria: ACMG Guidelines, 2015. Collection method: clinical testing. Allele origin: germline.

GeneDx
Classification: Benign. Last evaluated: 2014-06-13. Review status: criteria provided, single submitter. Criteria: GeneDx Variant Classification (06012015). Collection method: clinical testing. Allele origin: germline. Affected: yes.
Comment: This variant is considered likely benign or benign based on one or more of the following criteria: it is a conservative change, it occurs at a poorly conserved position in the protein, it is predicted to be benign by multiple in silico algorithms, and/or has population frequency not consistent with disease.

PreventionGenetics, part of Exact Sciences
Classification: Likely benign for STK11-related condition. Last evaluated: 2019-06-21. Review status: no assertion criteria provided. Collection method: clinical testing. Allele origin: germline. Not counted in ClinVar's aggregate classification.
Comment: This variant is classified as likely benign based on ACMG/AMP sequence variant interpretation guidelines (Richards et al. 2015 PMID: 25741868, with internal and published modifications).

Counsyl
Classification: Likely benign for Peutz-Jeghers syndrome. Last evaluated: 2016-08-05. Review status: no assertion criteria provided. Collection method: clinical testing. Allele origin: unknown. Not counted in ClinVar's aggregate classification.